The following is an entry in ClinVar:

ClinVar aggregate classification (germline): Uncertain significance. Review status: criteria provided, multiple submitters, no conflicts (2 of 4 stars). 6 submissions from 6 submitters: Uncertain significance (6). Last evaluated 2026-05-28.

Conditions:
Cardiovascular phenotype. Identifiers: MedGen CN230736.
Arrhythmogenic right ventricular dysplasia 10. Also called: Arrhythmogenic Right Ventricular Dysplasia/Cardiomyopathy10; ARRHYTHMOGENIC RIGHT VENTRICULAR DYSPLASIA, FAMILIAL, 10; Arrhythmogenic right ventricular dysplasia/cardiomyopathy, type 10. Identifiers: MedGen C1857777, MONDO:0012434, OMIM 610193.
Dilated cardiomyopathy 1BB (CMD1BB). Also called: CARDIOMYOPATHY, DILATED, 1BB, SUSCEPTIBILITY TO. Identifiers: Orphanet 154, MedGen C2752072, MONDO:0013030, OMIM 612877.
Arrhythmogenic right ventricular cardiomyopathy (ARVD). Also called: Cardiomyopathy, ARVC; Arrhythmogenic right ventricular dysplasia; Arrhythmogenic cardiomyopathy; Arrhythmogenic Right Ventricular Cardiomyopathy (ARVC). Identifiers: Orphanet 247, MedGen C0349788, MeSH D019571, MONDO:0016587. Disease mechanism: loss of function. Inheritance: Various modes of inheritance.
Cardiomyopathy (CMYO). Also called: Cardiomyopathies. Identifiers: Orphanet 167848, MedGen C0878544, MONDO:0004994, HP:0001638. Inheritance: Various modes of inheritance.

Allele frequency attached by ClinVar (database versions not stated): gnomAD exomes 0.00001; TOPMed 0.00001; gnomAD 0.00001.
gnomAD v4.1: 22 of 1,613,784 alleles (0.0014%); highest among the groups gnomAD compares: Non-Finnish European, 0.0017%; no homozygotes.

Submissions (6):

Ambry Genetics
Classification: Uncertain significance for Cardiovascular phenotype. Last evaluated: 2026-05-28. Review status: criteria provided, single submitter. Criteria: Ambry Variant Classification Scheme 2023. Collection method: clinical testing. Allele origin: germline.
Comment: The p.F99Y variant (also known as c.296T>A), located in coding exon 4 of the DSG2 gene, results from a T to A substitution at nucleotide position 296. The phenylalanine at codon 99 is replaced by tyrosine, an amino acid with highly similar properties. This amino acid position is conserved. In addition, this alteration is predicted to be tolerated by in silico analysis. Based on the available evidence, the clinical significance of this variant remains unclear.

Labcorp Genetics (formerly Invitae), Labcorp
Classification: Uncertain significance for Arrhythmogenic right ventricular dysplasia 10. Last evaluated: 2025-12-03. Review status: criteria provided, single submitter. Criteria: Invitae Variant Classification Sherloc (09022015). Collection method: clinical testing. Allele origin: germline.
Comment: This sequence change replaces phenylalanine, which is neutral and non-polar, with tyrosine, which is neutral and polar, at codon 99 of the DSG2 protein (p.Phe99Tyr). This variant is not present in population databases (gnomAD no frequency). This variant has not been reported in the literature in individuals affected with DSG2-related conditions. ClinVar contains an entry for this variant (Variation ID: 626838). Invitae Evidence Modeling of protein sequence and biophysical properties (such as structural, functional, and spatial information, amino acid conservation, physicochemical variation, residue mobility, and thermodynamic stability) indicates that this missense variant is not expected to disrupt DSG2 protein function with a negative predictive value of 95%. In summary, the available evidence is currently insufficient to determine the role of this variant in disease. Therefore, it has been classified as a Variant of Uncertain Significance.

Color Diagnostics, LLC DBA Color Health
Classification: Uncertain significance for Cardiomyopathy. Last evaluated: 2024-03-06. Review status: criteria provided, single submitter. Criteria: ACMG Guidelines, 2015. Collection method: clinical testing. Allele origin: germline.
Comment: This missense variant replaces phenylalanine with tyrosine at codon 99 of the DSG2 protein. Computational prediction suggests that this variant may not impact protein structure and function (internally defined REVEL score threshold <= 0.5, PMID: 27666373). To our knowledge, functional studies have not been reported for this variant. This variant has not been reported in individuals affected with cardiovascular disorders in the literature. This variant has not been identified in the general population by the Genome Aggregation Database (gnomAD). The available evidence is insufficient to determine the role of this variant in disease conclusively. Therefore, this variant is classified as a Variant of Uncertain Significance.

All of Us Research Program, National Institutes of Health
Classification: Uncertain significance for Arrhythmogenic right ventricular cardiomyopathy. Last evaluated: 2023-12-07. Review status: criteria provided, single submitter. Criteria: ACMG Guidelines, 2015. Collection method: clinical testing. Allele origin: germline. Inheritance: Autosomal dominant inheritance. Observed: 3 variant alleles, 3 heterozygotes.
Comment: This missense variant replaces phenylalanine with tyrosine at codon 99 of the DSG2 protein. Computational prediction suggests that this variant may not impact protein structure and function (internally defined REVEL score threshold <= 0.5, PMID: 27666373). To our knowledge, functional studies have not been reported for this variant. This variant has not been reported in individuals affected with cardiovascular disorders in the literature. This variant has not been identified in the general population by the Genome Aggregation Database (gnomAD). The available evidence is insufficient to determine the role of this variant in disease conclusively. Therefore, this variant is classified as a Variant of Uncertain Significance.

This study involves interpretation of variants in research participants for the purpose of population health screening. Participant phenotype was not available at the time of variant classification. Additional details can be found in publication PMID: 35346344, PMCID: PMC8962531

Fulgent Genetics
Classification: Uncertain significance for Arrhythmogenic right ventricular dysplasia 10; Dilated cardiomyopathy 1BB. Last evaluated: 2021-11-22. Review status: criteria provided, single submitter. Criteria: ACMG Guidelines, 2015. Collection method: clinical testing. Allele origin: unknown.

CHEO Genetics Diagnostic Laboratory, Children's Hospital of Eastern Ontario
Classification: Uncertain significance for Cardiomyopathy. Last evaluated: 2016-12-20. Review status: criteria provided, single submitter. Criteria: ACMG Guidelines, 2015. Collection method: clinical testing. Allele origin: germline. Study: Canadian Open Genetics Repository.

NM_001943.5(DSG2):c.296T>A (p.Phe99Tyr)

Gene: DSG2 (desmoglein 2; plus strand). Cytogenetic location: 18q12.1.
Variant type: single nucleotide variant.
Coding change: c.296T>A on transcript NM_001943.5 (MANE Select); coding-DNA position 296, T replaced by A.
Protein change: p.Phe99Tyr; replaces phenylalanine 99 with tyrosine.
Molecular consequence: missense variant.
Genome position (GRCh38, 1-based): chr18:31,520,882, T>A. VCF-style: chr18-31520882-T-A. GRCh37 (hg19) VCF-style: chr18-29100845-T-A.
Other names: c.296T>A (NM_001943.3); short protein forms F99Y.
Identifiers: ClinVar variation 626838 (VCV000626838.17), dbSNP rs1275376903, ClinGen allele CA402131503.